The following is an entry in ClinVar:

ClinVar aggregate classification (germline): Likely benign (1 of 4 stars; one submission).

Allele frequency attached by ClinVar (database versions not stated): gnomAD 0.00002 and 0.00003; gnomAD exomes 0.00002; TOPMed 0.00003.
gnomAD v4.1: 27 of 1,544,888 alleles (0.0017%); highest among the groups gnomAD compares: Admixed American, 0.004%; no homozygotes.

Submission:

GeneDx
Classification: Likely benign. Last evaluated: 2018-01-16. Review status: criteria provided, single submitter. Criteria: GeneDx Variant Classification (06012015). Collection method: clinical testing. Allele origin: germline. Affected: yes.
Comment: This variant is considered likely benign or benign based on one or more of the following criteria: it is a conservative change, it occurs at a poorly conserved position in the protein, it is predicted to be benign by multiple in silico algorithms, and/or has population frequency not consistent with disease.

NM_194248.3(OTOF):c.2215-136C>T

Gene: OTOF (otoferlin; minus strand). Cytogenetic location: 2p23.3.
Variant type: single nucleotide variant.
Coding change: c.2215-136C>T on transcript NM_194248.3 (MANE Select); 136 bases into the intron before coding-DNA position 2215, C replaced by T.
Molecular consequence: intron variant. On other transcripts: 5 prime UTR variant (2), synonymous variant (1).
Genome position (GRCh38, 1-based): chr2:26,477,885, G>A on the plus strand (C>T on the coding strand, the complement: OTOF is on the minus strand). VCF-style: chr2-26477885-G-A. GRCh37 (hg19) VCF-style: chr2-26700753-G-A.
Other names: c.-69C>T (NM_004802.4, NM_194323.3); c.9C>T, p.Thr3= (NM_194322.3); c.2215-136C>T (NM_001287489.2).
Identifiers: ClinVar variation 514685 (VCV000514685.1), dbSNP rs371848783, ClinGen allele CA44398826.
Genomic context (GRCh38, chr2:26,477,885, plus strand): 5'-GATCAGGGGAGTGAGGGACCTCATGATCTGGGAGCTCTCGCTAGGGCCATCCTGAGTATC[G>A]GTCATCATGAGGAAGTCATCAATTTCCCAGGTTCTGTTCTCAGAACCTGGAGATGTTGGT-3'